The following is an entry in ClinVar:

NM_006947.4(SRP72):c.22G>A (p.Gly8Arg)

Genes: SRP72 (signal recognition particle 72; plus strand), LOC129992625 (ATAC-STARR-seq lymphoblastoid active region 21580; plus strand). Cytogenetic location: 4q12.
Variant type: single nucleotide variant.
Coding change: c.22G>A on transcript NM_006947.4 (MANE Select); coding-DNA position 22, G replaced by A.
Protein change: p.Gly8Arg; replaces glycine 8 with arginine.
Molecular consequence: missense variant. On other transcripts: non-coding transcript variant (1).
Genome position (GRCh38, 1-based): chr4:56,467,657, G>A. VCF-style: chr4-56467657-G-A. GRCh37 (hg19) VCF-style: chr4-57333823-G-A.
Other names: c.22G>A (NM_006947.3); c.22G>A, p.Gly8Arg (NM_001267722.2); short protein forms G8R.
Identifiers: ClinVar variation 2654770 (VCV002654770.24), dbSNP rs773611833, ClinGen allele CA356995545.
Genomic context (GRCh38, chr4:56,467,657, plus strand): 5'-GGCAGAGGTCTCCCCGCCCCGCCCCTCGTCTCCTCCAAGATGGCGAGCGGCGGCAGCGGG[G>A]GGGTGTCAGTACCTGCGCTGTGGAGTGAAGTGAACCGGTATGGCCAGAACGGCGACTTCA-3'
Protein context (NP_008878.3, residues 1-18): MASGGSG[Gly8Arg]VSVPALWSEV

ClinVar aggregate classification (germline): Uncertain significance. Review status: criteria provided, multiple submitters, no conflicts (2 of 4 stars). 2 submissions from 2 submitters: Uncertain significance (2). Last evaluated 2025-04-06.

gnomAD v4.1: 4 of 1,558,512 alleles (0.00026%); highest among the groups gnomAD compares: South Asian, 0.0023%; no homozygotes.

Submissions (2):

Ambry Genetics
Classification: Uncertain significance. Last evaluated: 2025-04-06. Review status: criteria provided, single submitter. Criteria: Ambry Variant Classification Scheme 2023. Collection method: clinical testing. Allele origin: germline.
Comment: The p.G8R variant (also known as c.22G>A), located in coding exon 1 of the SRP72 gene, results from a G to A substitution at nucleotide position 22. The glycine at codon 8 is replaced by arginine, an amino acid with dissimilar properties. This amino acid position is conserved. In addition, the in silico prediction for this alteration is inconclusive. Based on the available evidence, the clinical significance of this variant remains unclear.

CeGaT Center for Human Genetics Tuebingen
Classification: Uncertain significance. Last evaluated: 2022-10-01. Review status: criteria provided, single submitter. Criteria: CeGaT Center For Human Genetics Tuebingen Variant Classification Criteria Version 2. Collection method: clinical testing. Allele origin: germline. Affected: yes. Observed: 1 variant allele.